The following is an entry in ClinVar:

ClinVar aggregate classification (germline): Uncertain significance (1 of 4 stars; one submission).

Conditions:
Ehlers-Danlos syndrome, classic type, 1 (EDSCL1). Also called: Ehlers-Danlos Syndrome, Classic Type, COL5A1-Related; EDS I; EHLERS-DANLOS SYNDROME, GRAVIS TYPE; EHLERS-DANLOS SYNDROME, SEVERE CLASSIC TYPE; Ehlers-Danlos syndrome, type 1. Identifiers: MedGen C0268335, MONDO:0019567, OMIM 130000.
Fibromuscular dysplasia, multifocal. Identifiers: MedGen C5543412, MONDO:0859151, OMIM 619329.

Submission:

Juno Genomics, Hangzhou Juno Genomics, Inc
Classification: Uncertain significance for Ehlers-Danlos syndrome, classic type, 1; Fibromuscular dysplasia, multifocal. Review status: criteria provided, single submitter. Criteria: ACMG Guidelines, 2015. Collection method: clinical testing. Allele origin: germline.
Comment: Missense variant in a gene that has a low rate of benign missense variation.;Multiple lines of computational evidence support a deleterious effect on the gene or gene product.;Absent from controls (or at extremely low frequency if recessive) in Genome Aggregation Database.

NM_000093.5(COL5A1):c.2524C>T (p.Pro842Ser)

Gene: COL5A1 (collagen type V alpha 1 chain; plus strand). Cytogenetic location: 9q34.3.
Variant type: single nucleotide variant.
Coding change: c.2524C>T on transcript NM_000093.5 (MANE Select); coding-DNA position 2524, C replaced by T.
Protein change: p.Pro842Ser; replaces proline 842 with serine.
Molecular consequence: missense variant.
Genome position (GRCh38, 1-based): chr9:134,785,028, C>T. VCF-style: chr9-134785028-C-T. GRCh37 (hg19) VCF-style: chr9-137676874-C-T.
Other names: c.2524C>T, p.Pro842Ser (NM_001278074.1); short protein forms P842S.
Identifiers: ClinVar variation 5007417 (VCV005007417.2).
Genomic context (GRCh38, chr9:134,785,028, plus strand): 5'-CTCCTCTTTTCTGGCTTGCAGGGGGAGATCGGCCCACCCGGTCCCAGGGGAGAAGATGGC[C>T]CTGAAGGCCCAAAGGGTCGCGGAGGTCCCAATGGTGACCCCGGTCCTCTGGGACCCCCTG-3'
Protein context (NP_000084.3, residues 832-852): GPPGPRGEDG[Pro842Ser]EGPKGRGGPN